The following is an entry in ClinVar:

NM_006261.5(PROP1):c.115_116insCCGTTCTGCAGTGCTCTCTCCGTTCTGCA (p.Ser39fs)

Gene: PROP1 (PROP paired-like homeobox 1; minus strand). Cytogenetic location: 5q35.3.
Variant type: Insertion.
Coding change: c.115_116insCCGTTCTGCAGTGCTCTCTCCGTTCTGCA on transcript NM_006261.5 (MANE Select); coding-DNA positions 115 to 116, CCGTTCTGCAGTGCTCTCTCCGTTCTGCA inserted.
Protein change: p.Ser39fs; shifts the reading frame from serine 39.
Molecular consequence: frameshift variant.
Genome position: GRCh38 VCF-style: chr5-177994332-C-CTGCAGAACGGAGAGAGCACTGCAGAACGG. GRCh37 (hg19) VCF-style: chr5-177421333-C-CTGCAGAACGGAGAGAGCACTGCAGAACGG.
Other names: short protein forms S39fs.
Identifiers: ClinVar variation 1364865 (VCV001364865.8), dbSNP rs2113064700, ClinGen allele CA2573139483.

ClinVar aggregate classification (germline): Pathogenic (1 of 4 stars; one submission).

Submission:

Labcorp Genetics (formerly Invitae), Labcorp
Classification: Pathogenic. Last evaluated: 2021-04-23. Review status: criteria provided, single submitter. Criteria: Invitae Variant Classification Sherloc (09022015). Collection method: clinical testing. Allele origin: germline.
Comment: This variant has not been reported in the literature in individuals with PROP1-related conditions. This variant is not present in population databases (ExAC no frequency). This sequence change creates a premature translational stop signal (p.Ser39Thrfs*136) in the PROP1 gene. While this is not anticipated to result in nonsense mediated decay, it is expected to disrupt the last 188 amino acid(s) of the PROP1 protein. Algorithms developed to predict the effect of sequence changes on RNA splicing suggest that this variant may create or strengthen a splice site, but this prediction has not been confirmed by published transcriptional studies. For these reasons, this variant has been classified as Pathogenic. This variant disrupts the C-terminus of the PROP1 protein. Other variant(s) that disrupt this region (p.Trp194*) have been determined to be pathogenic (PMID: 15941866, Invitae). This suggests that variants that disrupt this region of the protein are likely to be causative of disease.

Literature cited by the submitters: PubMed 15941866.